The following is an entry in ClinVar:

NM_000051.4(ATM):c.7914del (p.Gln2637_Trp2638insTer)

Genes: ATM (ATM serine/threonine kinase; plus strand), C11orf65 (chromosome 11 open reading frame 65; minus strand). Cytogenetic location: 11q22.3.
Variant type: Deletion.
Coding change: c.7914del on transcript NM_000051.4 (MANE Select); coding-DNA position 7914, one base deleted (G; older notation c.7914delG).
Protein change: p.Gln2637_Trp2638insTer.
Molecular consequence: nonsense. On other transcripts: intron variant (2).
Genome position (GRCh38, 1-based): chr11:108,332,887, G deleted; the last of 2 consecutive G bases (chr11:108,332,886-108,332,887); deleting either gives the same sequence. VCF-style (leftmost placement, unchanged base first): chr11-108332885-TG-T. GRCh37 (hg19) VCF-style: chr11-108203612-TG-T.
Other names: c.641-23815del (NM_001330368.2); c.*38+2334del (NM_001351110.2); c.7914del, p.Gln2637_Trp2638insTer (NM_001351834.2).
Identifiers: ClinVar variation 3802992 (VCV003802992.1).
Genomic context (GRCh38, chr11:108,332,885, plus strand): 5'-AGAAGTGTTGAGGCACTTTGTGATGCTTATATTATATTAGCAAACTTAGATGCCACTCAG[TG>T]GAAGACTCAGAGAAGTATGTTTTTTTTAAAGAAGAAACGTTACTTTCTTGCTGTGTTACT-3'

ClinVar aggregate classification (germline): Pathogenic (1 of 4 stars; one submission).

Conditions:
Hereditary cancer-predisposing syndrome. Also called: Neoplastic Syndromes, Hereditary; Tumor predisposition; Hereditary Cancer Syndrome; Hereditary neoplastic syndrome. Identifiers: Orphanet 140162, MedGen C0027672, MeSH D009386, MONDO:0015356.

Submission:

Ambry Genetics
Classification: Pathogenic for Hereditary cancer-predisposing syndrome. Last evaluated: 2025-03-13. Review status: criteria provided, single submitter. Criteria: Ambry Variant Classification Scheme 2023. Collection method: clinical testing. Allele origin: germline.
Comment: The c.7914delG pathogenic mutation, located in coding exon 52 of the ATM gene, results from a deletion of one nucleotide at nucleotide position 7914, causing a translational frameshift with a predicted alternate stop codon (p.W2638*). This variant is considered to be rare based on population cohorts in the Genome Aggregation Database (gnomAD). This alteration is expected to result in loss of function by premature protein truncation or nonsense-mediated mRNA decay. As such, this alteration is interpreted as a disease-causing mutation.